The following is an entry in ClinVar:

ClinVar aggregate classification (germline): Uncertain significance (1 of 4 stars; one submission).

Submission:

Labcorp Genetics (formerly Invitae), Labcorp
Classification: Uncertain significance. Last evaluated: 2022-08-27. Review status: criteria provided, single submitter. Criteria: Invitae Variant Classification Sherloc (09022015). Collection method: clinical testing. Allele origin: germline.
Comment: The frequency data for this variant in the population databases is considered unreliable, as metrics indicate poor data quality at this position in the gnomAD database. In summary, the available evidence is currently insufficient to determine the role of this variant in disease. Therefore, it has been classified as a Variant of Uncertain Significance. Algorithms developed to predict the effect of sequence changes on RNA splicing suggest that this variant may disrupt the consensus splice site. Algorithms developed to predict the effect of missense changes on protein structure and function (SIFT, PolyPhen-2, Align-GVGD) all suggest that this variant is likely to be tolerated. This variant has not been reported in the literature in individuals affected with AP3D1-related conditions. This sequence change replaces glycine, which is neutral and non-polar, with valine, which is neutral and non-polar, at codon 894 of the AP3D1 protein (p.Gly894Val).

NM_001261826.3(AP3D1):c.2681G>T (p.Gly894Val)

Gene: AP3D1 (adaptor related protein complex 3 subunit delta 1; minus strand). Cytogenetic location: 19p13.3.
Variant type: single nucleotide variant.
Coding change: c.2681G>T on transcript NM_001261826.3 (MANE Select); coding-DNA position 2681, G replaced by T.
Protein change: p.Gly894Val; replaces glycine 894 with valine.
Molecular consequence: missense variant. On other transcripts: intron variant (2).
Genome position (GRCh38, 1-based): chr19:2,112,966, C>A on the plus strand (G>T on the coding strand, the complement: AP3D1 is on the minus strand). VCF-style: chr19-2112966-C-A. GRCh37 (hg19) VCF-style: chr19-2112965-C-A.
Other names: c.2602-1138G>T (NM_003938.8); c.2680-35G>T (NM_001374799.1); short protein forms G894V.
Identifiers: ClinVar variation 1718082 (VCV001718082.5), dbSNP rs1410523170, ClinGen allele CA403206659.
Genomic context (GRCh38, chr19:2,112,966, plus strand): 5'-TCCGTCTTGGCGTCCTCACACTCGTCCTTCGGGGTAGTGACAGTGTTCACACTGAGCTCC[C>A]CCTGCAGGGAGCCAGGGCTTGGGGCTCATGCTGGGCAATGAGGGGCCCCACTCCACTGCA-3'
Protein context (NP_001248755.1, residues 884-904): APAPAPVPST[Gly894Val]ELSVNTVTTP